The following is an entry in ClinVar:

ClinVar aggregate classification (germline): Uncertain significance (1 of 4 stars; one submission).

Allele frequency attached by ClinVar (database versions not stated): TOPMed below 0.00001; gnomAD 0.00001; gnomAD exomes 0.00001.

Submission:

Labcorp Genetics (formerly Invitae), Labcorp
Classification: Uncertain significance. Last evaluated: 2021-07-04. Review status: criteria provided, single submitter. Criteria: Invitae Variant Classification Sherloc (09022015). Collection method: clinical testing. Allele origin: germline.
Comment: Experimental studies and prediction algorithms are not available or were not evaluated, and the functional significance of this variant is currently unknown. This variant, c.350_352dup, results in the insertion of 1 amino acid(s) to the DLX6 protein (p.Pro117_Tyr118insSer), but otherwise preserves the integrity of the reading frame. This variant is not present in population databases (ExAC no frequency). This variant has not been reported in the literature in individuals affected with DLX6-related conditions. In summary, the available evidence is currently insufficient to determine the role of this variant in disease. Therefore, it has been classified as a Variant of Uncertain Significance.

NM_005222.4(DLX6):c.350_352dup (p.Pro117_Tyr118insSer)

Genes: DLX6 (distal-less homeobox 6; plus strand), DLX6-AS1 (DLX6 antisense RNA 1; minus strand), LOC129998836 (ATAC-STARR-seq lymphoblastoid silent region 18385; plus strand). Cytogenetic location: 7q21.3.
Variant type: Duplication.
Coding change: c.350_352dup on transcript NM_005222.4 (MANE Select); coding-DNA positions 350 to 352, 3 bases duplicated (CCT; older notation c.350_352dupCCT).
Protein change: p.Pro117_Tyr118insSer.
Molecular consequence: inframe insertion.
Genome position (GRCh38, 1-based): chr7:97,006,327-97,006,329, CCT duplicated. VCF-style (leftmost placement, unchanged base first): chr7-97006326-C-CCCT. GRCh37 (hg19) VCF-style: chr7-96635638-C-CCCT.
Identifiers: ClinVar variation 1373075 (VCV001373075.8), dbSNP rs1286074196, ClinGen allele CA456634536.
Genomic context (GRCh38, chr7:97,006,326, plus strand): 5'-GGCTCGCCCTACGCGTCGGGCGGAGGGAACTCCTACAACCACCGCTCGCTCGCCGCCTAC[C>CCCT]CCTACATGAGCCACTCGCAGCACAGCCCTTACCTCCAGTCCTACCACAACAGCAGCGCAG-3'